The following is an entry in ClinVar:

ClinVar aggregate classification (germline): Uncertain significance (1 of 4 stars; one submission).

Allele frequency attached by ClinVar (database versions not stated): gnomAD 0.00001; gnomAD exomes 0.00001; ExAC 0.00002; 1000 Genomes Project 30x 0.00016; 1000 Genomes Project 0.00020.
gnomAD v4.1: 13 of 1,602,840 alleles (0.00081%); highest among the groups gnomAD compares: African/African-American, 0.0053%; no homozygotes.

Submission:

Labcorp Genetics (formerly Invitae), Labcorp
Classification: Uncertain significance. Last evaluated: 2024-10-23. Review status: criteria provided, single submitter. Criteria: Invitae Variant Classification Sherloc (09022015). Collection method: clinical testing. Allele origin: germline.
Comment: This sequence change replaces glutamine, which is neutral and polar, with glutamic acid, which is acidic and polar, at codon 144 of the TELO2 protein (p.Gln144Glu). This variant is present in population databases (rs568782545, gnomAD 0.006%). This variant has not been reported in the literature in individuals affected with TELO2-related conditions. ClinVar contains an entry for this variant (Variation ID: 1486652). Invitae Evidence Modeling of protein sequence and biophysical properties (such as structural, functional, and spatial information, amino acid conservation, physicochemical variation, residue mobility, and thermodynamic stability) indicates that this missense variant is not expected to disrupt TELO2 protein function with a negative predictive value of 95%. In summary, the available evidence is currently insufficient to determine the role of this variant in disease. Therefore, it has been classified as a Variant of Uncertain Significance.

NM_016111.4(TELO2):c.430C>G (p.Gln144Glu)

Gene: TELO2 (telomere maintenance 2; plus strand). Cytogenetic location: 16p13.3.
Variant type: single nucleotide variant.
Coding change: c.430C>G on transcript NM_016111.4 (MANE Select); coding-DNA position 430, C replaced by G.
Protein change: p.Gln144Glu; replaces glutamine 144 with glutamic acid.
Molecular consequence: missense variant.
Genome position (GRCh38, 1-based): chr16:1,495,440, C>G. VCF-style: chr16-1495440-C-G. GRCh37 (hg19) VCF-style: chr16-1545441-C-G.
Other names: c.430C>G, p.Gln144Glu (NM_001351846.2); short protein forms Q144E.
Identifiers: ClinVar variation 1486652 (VCV001486652.6), dbSNP rs568782545, ClinGen allele CA7811636.